The following is an entry in ClinVar:

ClinVar aggregate classification (germline): Uncertain significance (1 of 4 stars; one submission).

Conditions:
Very long chain acyl-CoA dehydrogenase deficiency (ACADVLD). Also called: VLCAD Deficiency; Very Long-Chain Acyl-Coenzyme A Dehydrogenase Deficiency. Identifiers: Orphanet 26793, MedGen C3887523, MONDO:0008723, OMIM 201475.

Allele frequency attached by ClinVar (database versions not stated): gnomAD 0.00001.

Submission:

Labcorp Genetics (formerly Invitae), Labcorp
Classification: Uncertain significance for Very long chain acyl-CoA dehydrogenase deficiency. Last evaluated: 2019-11-29. Review status: criteria provided, single submitter. Criteria: Invitae Variant Classification Sherloc (09022015). Collection method: clinical testing. Allele origin: germline.
Comment: The frequency data for this variant in the population databases is considered unreliable, as metrics indicate insufficient coverage at this position in the ExAC database. In summary, the available evidence is currently insufficient to determine the role of this variant in disease. Therefore, it has been classified as a Variant of Uncertain Significance. Algorithms developed to predict the effect of missense changes on protein structure and function (SIFT, PolyPhen-2, Align-GVGD) all suggest that this variant is likely to be tolerated, but these predictions have not been confirmed by published functional studies and their clinical significance is uncertain. This variant has not been reported in the literature in individuals with ACADVL-related conditions. This sequence change replaces alanine with valine at codon 45 of the ACADVL protein (p.Ala45Val). The alanine residue is moderately conserved and there is a small physicochemical difference between alanine and valine.

NM_000018.4(ACADVL):c.134C>T (p.Ala45Val)

Genes: ACADVL (acyl-CoA dehydrogenase very long chain; plus strand), LOC130060113 (ATAC-STARR-seq lymphoblastoid silent region 8088; plus strand). Cytogenetic location: 17p13.1.
Variant type: single nucleotide variant.
Coding change: c.134C>T on transcript NM_000018.4 (MANE Select); coding-DNA position 134, C replaced by T.
Protein change: p.Ala45Val; replaces alanine 45 with valine.
Molecular consequence: missense variant. On other transcripts: 5 prime UTR variant (1).
Genome position (GRCh38, 1-based): chr17:7,220,193, C>T. VCF-style: chr17-7220193-C-T. GRCh37 (hg19) VCF-style: chr17-7123512-C-T.
Other names: c.134C>T, p.Ala45Val (NM_001033859.3); c.203C>T, p.Ala68Val (NM_001270447.2); c.-95C>T (NM_001270448.2); short protein forms A45V, A68V.
Identifiers: ClinVar variation 860852 (VCV000860852.10), dbSNP rs2071124062, ClinGen allele CA397722153.